The following is an entry in ClinVar:

NM_013245.3(VPS4A):c.943A>G (p.Thr315Ala)

Gene: VPS4A (vacuolar protein sorting 4 homolog A; plus strand). Cytogenetic location: 16q22.1.
Variant type: single nucleotide variant.
Coding change: c.943A>G on transcript NM_013245.3 (MANE Select); coding-DNA position 943, A replaced by G.
Protein change: p.Thr315Ala; replaces threonine 315 with alanine.
Molecular consequence: missense variant.
Genome position (GRCh38, 1-based): chr16:69,321,142, A>G. VCF-style: chr16-69321142-A-G. GRCh37 (hg19) VCF-style: chr16-69355045-A-G.
Other names: short protein forms T315A.
Identifiers: ClinVar variation 2443496 (VCV002443496.1), dbSNP rs2544553234, ClinGen allele CA396472711.

ClinVar aggregate classification (germline): Uncertain significance (1 of 4 stars; one submission).

Submission:

GeneDx
Classification: Uncertain significance. Last evaluated: 2022-09-09. Review status: criteria provided, single submitter. Criteria: GeneDx Variant Classification Process June 2021. Collection method: clinical testing. Allele origin: germline. Affected: yes.
Comment: Not observed at significant frequency in large population cohorts (gnomAD); In silico analysis supports that this missense variant has a deleterious effect on protein structure/function; Has not been previously published as pathogenic or benign to our knowledge